The following is an entry in ClinVar:

ClinVar aggregate classification (germline): Benign/Likely benign. Review status: criteria provided, multiple submitters, no conflicts (2 of 4 stars). 3 submissions from 3 submitters: Benign (1); Likely benign (2). Last evaluated 2026-04-27.

Conditions:
Colorectal cancer, susceptibility to, 1. Also called: COLORECTAL ADENOMA AND CANCER, SUSCEPTIBILITY TO; COLORECTAL CANCER, SUSCEPTIBILITY TO, ON CHROMOSOME 9. Identifiers: MedGen C1837315, MONDO:0012132, OMIM 608812.

Allele frequency attached by ClinVar (database versions not stated): gnomAD exomes below 0.00001.
gnomAD v4.1: 1 of 1,614,204 alleles (0.000062%); highest among the groups gnomAD compares: Non-Finnish European, 0.000085%; no homozygotes.

Submissions (3):

Myriad Genetics, Inc.
Classification: Benign for Colorectal cancer, susceptibility to, 1. Last evaluated: 2026-04-27. Review status: criteria provided, single submitter. Criteria: Myriad Autosomal Dominant, Autosomal Recessive and X-Linked Classification Criteria (2023). Collection method: clinical testing. Allele origin: unknown.
Comment: This variant is considered benign. This variant is a silent/synonymous amino acid change and it is not expected to impact splicing.

Ambry Genetics
Classification: Likely benign. Last evaluated: 2019-12-20. Review status: criteria provided, single submitter. Criteria: Ambry Variant Classification Scheme 2023. Collection method: clinical testing. Allele origin: germline.

Labcorp Genetics (formerly Invitae), Labcorp
Classification: Likely benign. Last evaluated: 2017-11-20. Review status: criteria provided, single submitter. Criteria: Invitae Variant Classification Sherloc (09022015). Collection method: clinical testing. Allele origin: germline.

NM_024642.5(GALNT12):c.1110C>A (p.Pro370=)

Gene: GALNT12 (polypeptide N-acetylgalactosaminyltransferase 12; plus strand). Cytogenetic location: 9q22.33.
Variant type: single nucleotide variant.
Coding change: c.1110C>A on transcript NM_024642.5 (MANE Select); coding-DNA position 1110, C replaced by A.
Protein change: p.Pro370=; no amino-acid change (proline 370 retained).
Molecular consequence: synonymous variant.
Genome position (GRCh38, 1-based): chr9:98,837,046, C>A. VCF-style: chr9-98837046-C-A. GRCh37 (hg19) VCF-style: chr9-101599328-C-A.
Identifiers: ClinVar variation 736481 (VCV000736481.12), dbSNP rs1588453890, ClinGen allele CA466425028.